The following is an entry in ClinVar:

NM_015335.5(MED13L):c.134C>G (p.Pro45Arg)

Gene: MED13L (mediator complex subunit 13L; minus strand). Cytogenetic location: 12q24.21.
Variant type: single nucleotide variant.
Coding change: c.134C>G on transcript NM_015335.5 (MANE Select); coding-DNA position 134, C replaced by G.
Protein change: p.Pro45Arg; replaces proline 45 with arginine.
Molecular consequence: missense variant.
Genome position (GRCh38, 1-based): chr12:116,237,644, G>C on the plus strand (C>G on the coding strand, the complement: MED13L is on the minus strand). VCF-style: chr12-116237644-G-C. GRCh37 (hg19) VCF-style: chr12-116675449-G-C.
Other names: short protein forms P45R.
Identifiers: ClinVar variation 2714241 (VCV002714241.3), dbSNP rs2500017153, ClinGen allele CA386927593.

ClinVar aggregate classification (germline): Uncertain significance (1 of 4 stars; one submission).

Conditions:
Dextro-looped transposition of the great arteries. Also called: Dextrotransposition of the great arteries. Identifiers: Orphanet 860, MedGen C3531771, MONDO:0019443, OMIM 608808, HP:0031348.

Allele frequency attached by ClinVar (database versions not stated): gnomAD exomes below 0.00001.
gnomAD v4.1: 1 of 1,614,096 alleles (0.000062%); highest among the groups gnomAD compares: Non-Finnish European, 0.000085%; no homozygotes.

Submission:

Labcorp Genetics (formerly Invitae), Labcorp
Classification: Uncertain significance for Dextro-looped transposition of the great arteries. Last evaluated: 2025-03-17. Review status: criteria provided, single submitter. Criteria: Invitae Variant Classification Sherloc (09022015). Collection method: clinical testing. Allele origin: germline.
Comment: This sequence change replaces proline, which is neutral and non-polar, with arginine, which is basic and polar, at codon 45 of the MED13L protein (p.Pro45Arg). This variant is not present in population databases (gnomAD no frequency). This variant has not been reported in the literature in individuals affected with MED13L-related conditions. ClinVar contains an entry for this variant (Variation ID: 2714241). Invitae Evidence Modeling of protein sequence and biophysical properties (such as structural, functional, and spatial information, amino acid conservation, physicochemical variation, residue mobility, and thermodynamic stability) has been performed for this missense variant. However, the output from this modeling did not meet the statistical confidence thresholds required to predict the impact of this variant on MED13L protein function. In summary, the available evidence is currently insufficient to determine the role of this variant in disease. Therefore, it has been classified as a Variant of Uncertain Significance.